The following is an entry in ClinVar:

NM_001101426.4(CRPPA):c.52dup (p.Leu18fs)

Genes: CRPPA (CDP-L-ribitol pyrophosphorylase A; minus strand), LOC129998005 (ATAC-STARR-seq lymphoblastoid silent region 17982; plus strand). Cytogenetic location: 7p21.2.
Variant type: Duplication.
Coding change: c.52dup on transcript NM_001101426.4 (MANE Select); coding-DNA position 52, one base duplicated (C; older notation c.52dupC).
Protein change: p.Leu18fs; shifts the reading frame from leucine 18.
Molecular consequence: frameshift variant. On other transcripts: non-coding transcript variant (1).
Genome position (GRCh38, 1-based): chr7:16,421,271, G duplicated on the plus strand (C on the coding strand, the reverse complement: CRPPA is on the minus strand); the first of 2 consecutive G bases (chr7:16,421,271-16,421,272); duplicating either gives the same sequence. VCF-style (leftmost placement, unchanged base first): chr7-16421270-A-AG. GRCh37 (hg19) VCF-style: chr7-16460895-A-AG.
Other names: c.52dup, p.Leu18fs (NM_001101417.4, NM_001368197.1); short protein forms L18fs.
Identifiers: ClinVar variation 1680816 (VCV001680816.6), dbSNP rs2128321527, ClinGen allele CA2573141337.

ClinVar aggregate classification (germline): Pathogenic (1 of 4 stars; one submission).

Conditions:
Muscular dystrophy-dystroglycanopathy (congenital with brain and eye anomalies), type A, 7. Also called: WALKER-WARBURG SYNDROME OR MUSCLE-EYE-BRAIN DISEASE, ISPD-RELATED; Congenital muscular dystrophy-dystroglycanopathy with brain and eye anomalies, type A7. Identifiers: Orphanet 899, MedGen C3553330, MONDO:0013835, OMIM 614643.
Autosomal recessive limb-girdle muscular dystrophy type 2U. Also called: Muscular dystrophy-dystroglycanopathy (limb-girdle), type c, 7; MUSCULAR DYSTROPHY, LIMB-GIRDLE, TYPE 2U. Identifiers: Orphanet 352479, MedGen C5190987, MONDO:0014474, OMIM 616052.

Submission:

Labcorp Genetics (formerly Invitae), Labcorp
Classification: Pathogenic for Muscular dystrophy-dystroglycanopathy (congenital with brain and eye anomalies), type A, 7; Autosomal recessive limb-girdle muscular dystrophy type 2U. Last evaluated: 2022-11-28. Review status: criteria provided, single submitter. Criteria: Invitae Variant Classification Sherloc (09022015). Collection method: clinical testing. Allele origin: germline.
Comment: This sequence change creates a premature translational stop signal (p.Leu18Profs*98) in the ISPD gene. It is expected to result in an absent or disrupted protein product. Loss-of-function variants in ISPD are known to be pathogenic (PMID: 23288328). This variant is not present in population databases (gnomAD no frequency). This variant has not been reported in the literature in individuals affected with ISPD-related conditions. ClinVar contains an entry for this variant (Variation ID: 1680816). For these reasons, this variant has been classified as Pathogenic.

Literature cited by the submitters: PubMed 23288328.